The following is an entry in ClinVar:

NM_000359.3(TGM1):c.2095G>T (p.Gly699Ter)

Gene: TGM1 (transglutaminase 1; minus strand). Cytogenetic location: 14q12.
Variant type: single nucleotide variant.
Coding change: c.2095G>T on transcript NM_000359.3 (MANE Select); coding-DNA position 2095, G replaced by T.
Protein change: p.Gly699Ter; replaces glycine 699 with a stop codon.
Molecular consequence: nonsense.
Genome position (GRCh38, 1-based): chr14:24,254,282, C>A on the plus strand (G>T on the coding strand, the complement: TGM1 is on the minus strand). VCF-style: chr14-24254282-C-A. GRCh37 (hg19) VCF-style: chr14-24723488-C-A.
Other names: short protein forms G699*.
Identifiers: ClinVar variation 948232 (VCV000948232.8), dbSNP rs984394322, ClinGen allele CA257891939.
Genomic context (GRCh38, chr14:24,254,282, plus strand): 5'-CGGGAAGGGGGTTCTTGAAGACAATCTGTACTTCACACTCCTGGCCAACCACTGCTGCTC[C>A]CAGTAACTGAGAGAAAAAGAGGCCCATCCCCCACGTCAGAGACCCTGGCCAAACACACGG-3'

ClinVar aggregate classification (germline): Pathogenic/Likely pathogenic. Review status: criteria provided, multiple submitters, no conflicts (2 of 4 stars). 2 submissions from 2 submitters: Pathogenic (1); Likely pathogenic (1). Last evaluated 2022-09-08.

Conditions:
TGM1-related disorder. Also called: TGM1-related condition.

Allele frequency attached by ClinVar (database versions not stated): gnomAD exomes below 0.00001; gnomAD 0.00001; TOPMed 0.00001.
gnomAD v4.1: 6 of 1,613,872 alleles (0.00037%); highest among the groups gnomAD compares: Non-Finnish European, 0.00051%; no homozygotes.

Submissions (2):

Blueprint Genetics
Classification: Likely pathogenic for TGM1-related disorders. Last evaluated: 2022-09-08. Review status: criteria provided, single submitter. Criteria: ACMG Guidelines, 2015. Collection method: clinical testing. Allele origin: germline. Affected: yes. Observed: 1 variant allele.

Labcorp Genetics (formerly Invitae), Labcorp
Classification: Pathogenic. Last evaluated: 2019-08-20. Review status: criteria provided, single submitter. Criteria: Invitae Variant Classification Sherloc (09022015). Collection method: clinical testing. Allele origin: germline.
Comment: This sequence change creates a premature translational stop signal (p.Gly699*) in the TGM1 gene. It is expected to result in an absent or disrupted protein product. This variant is not present in population databases (ExAC no frequency). This variant has not been reported in the literature in individuals with TGM1-related conditions. Algorithms developed to predict the effect of sequence changes on RNA splicing suggest that this variant may create or strengthen a splice site, but this prediction has not been confirmed by published transcriptional studies. Loss-of-function variants in TGM1 are known to be pathogenic (PMID: 9448282, 18948357, 19241467). For these reasons, this variant has been classified as Pathogenic.

Literature cited by the submitters: PubMed 9448282 (cited by Labcorp Genetics (formerly Invitae), Labcorp); PubMed 18948357 (cited by Labcorp Genetics (formerly Invitae), Labcorp); PubMed 19241467 (cited by Labcorp Genetics (formerly Invitae), Labcorp).